The following is an entry in ClinVar:

NM_001267550.2(TTN):c.11311+3491dup

Gene: TTN (titin; minus strand). Cytogenetic location: 2q31.2.
Variant type: Duplication.
Coding change: c.11311+3491dup on transcript NM_001267550.2 (MANE Select); 3491 bases into the intron after coding-DNA position 11311, one base duplicated (A; older notation c.11311+3491dupA).
Molecular consequence: intron variant. On other transcripts: frameshift variant (1).
Genome position (GRCh38, 1-based): chr2:178,749,633, T duplicated on the plus strand (A on the coding strand, the reverse complement: TTN is on the minus strand); the first of 4 consecutive T bases (chr2:178,749,633-178,749,636); duplicating any one gives the same sequence. VCF-style (leftmost placement, unchanged base first): chr2-178749632-A-AT. GRCh37 (hg19) VCF-style: chr2-179614359-A-AT.
Other names: c.10597+3491dup (NM_133432.3); c.10360+3491dup (NM_133378.4, NM_001256850.1); c.12767dup, p.Asn4256fs (NM_133379.5); c.10222+3491dup (NM_003319.4); c.10798+3491dup (NM_133437.4); short protein forms N4256fs.
Identifiers: ClinVar variation 4531113 (VCV004531113.1).
Genomic context (GRCh38, chr2:178,749,632, plus strand): 5'-TTGCAGTTGCTGATCTCTGGAATATTTTCCATAAATTTCACCAATATTTTCGAATTGACT[A>AT]TTTTCTCTATAAGTGACAGGCTCCACTGTTAGATCTGAAACACTTTCAACTGCCCCTGAA-3'

ClinVar aggregate classification (germline): Uncertain significance (1 of 4 stars; one submission).

Submission:

GeneDx
Classification: Uncertain significance. Last evaluated: 2025-05-19. Review status: criteria provided, single submitter. Criteria: GeneDx Variant Classification Process June 2021. Collection method: clinical testing. Allele origin: germline. Affected: yes.
Comment: Not observed at significant frequency in large population cohorts (gnomAD); Frameshift variant predicted to result in abnormal protein length as the last 1349 amino acids are replaced with 1 different amino acid; Has not been previously published as pathogenic or benign to our knowledge; Reported using an alternate transcript of the gene